The following is an entry in ClinVar:

ClinVar aggregate classification (germline): Uncertain significance (1 of 4 stars; one submission).

Submission:

GeneDx
Classification: Uncertain significance. Last evaluated: 2026-02-04. Review status: criteria provided, single submitter. Criteria: GeneDx Variant Classification Process June 2021. Collection method: clinical testing. Allele origin: germline.
Comment: Not observed at significant frequency in large population cohorts (gnomAD); In silico analysis supports that this missense variant has a deleterious effect on protein structure/function; Has not been previously published as pathogenic or benign to our knowledge; This variant is associated with the following publications: (PMID: 21376300, 21820098, 26125038)

NM_001244008.2(KIF1A):c.373G>A (p.Asp125Asn)

Gene: KIF1A (kinesin family member 1A; minus strand). Cytogenetic location: 2q37.3.
Variant type: single nucleotide variant.
Coding change: c.373G>A on transcript NM_001244008.2 (MANE Select); coding-DNA position 373, G replaced by A.
Protein change: p.Asp125Asn; replaces aspartic acid 125 with asparagine.
Molecular consequence: missense variant.
Genome position (GRCh38, 1-based): chr2:240,787,307, C>T on the plus strand (G>A on the coding strand, the complement: KIF1A is on the minus strand). VCF-style: chr2-240787307-C-T. GRCh37 (hg19) VCF-style: chr2-241726724-C-T.
Other names: c.373G>A, p.Asp125Asn (NM_001320705.2, NM_001330289.2, NM_001330290.2 and 20 more transcripts); short protein forms D125N.
Identifiers: ClinVar variation 4976232 (VCV004976232.1).